The following is an entry in ClinVar:

ClinVar aggregate classification (germline): Benign/Likely benign. Review status: criteria provided, multiple submitters, no conflicts (2 of 4 stars). 7 submissions from 7 submitters: Benign (3); Likely benign (4). Last evaluated 2026-02-03.

Conditions:
Coffin-Siris syndrome. Identifiers: Orphanet 1465, MedGen C0265338, MONDO:0015452.
Intellectual disability, autosomal dominant 16 (CSS4). Also called: COFFIN-SIRIS SYNDROME 4. Identifiers: Orphanet 1465, MedGen C3553249, MONDO:0013821, OMIM 614609.
Rhabdoid tumor predisposition syndrome 2 (RTPS2). Identifiers: Orphanet 231108, Orphanet 69077, MedGen C2750074, MONDO:0013224, OMIM 613325.
Hereditary cancer-predisposing syndrome. Also called: Hereditary Cancer Syndrome; Neoplastic Syndromes, Hereditary; Hereditary neoplastic syndrome; Tumor predisposition. Identifiers: Orphanet 140162, MedGen C0027672, MeSH D009386, MONDO:0015356.

Allele frequency attached by ClinVar (database versions not stated): gnomAD 0.00034; TOPMed 0.00045; ESP Exome Variant Server 0.00069; gnomAD exomes 0.00073; ExAC 0.00079.
gnomAD v4.1: 537 of 1,539,856 alleles (0.035%); highest among the groups gnomAD compares: Admixed American, 0.028%; 6 homozygotes.

Submissions (7):

Labcorp Genetics (formerly Invitae), Labcorp
Classification: Benign for Rhabdoid tumor predisposition syndrome 2. Last evaluated: 2026-02-03. Review status: criteria provided, single submitter. Criteria: Invitae Variant Classification Sherloc (09022015). Collection method: clinical testing. Allele origin: germline.

ARUP Laboratories, Molecular Genetics and Genomics, ARUP Laboratories
Classification: Likely benign. Last evaluated: 2025-06-19. Review status: criteria provided, single submitter. Criteria: ARUP Molecular Germline Variant Investigation Process 2024. Collection method: clinical testing. Allele origin: germline.

Blueprint Genetics
Classification: Likely benign. Last evaluated: 2024-11-25. Review status: criteria provided, single submitter. Criteria: ACMG Guidelines, 2015. Collection method: clinical testing. Allele origin: germline.

Genome-Nilou Lab
Classification: Benign for Intellectual disability, autosomal dominant 16. Last evaluated: 2021-07-15. Review status: criteria provided, single submitter. Criteria: ACMG Guidelines, 2015. Collection method: clinical testing. Allele origin: germline. Affected: no.

Illumina Laboratory Services, Illumina
Classification: Benign for Coffin-Siris syndrome. Last evaluated: 2018-01-13. Review status: criteria provided, single submitter. Criteria: ICSL Variant Classification Criteria 13 December 2019. Collection method: clinical testing. Allele origin: germline.
Comment: This variant was observed in the ICSL laboratory as part of a predisposition screen in an ostensibly healthy population. It had not been previously curated by ICSL or reported in the Human Gene Mutation Database (HGMD: prior to June 1st, 2018), and was therefore a candidate for classification through an automated scoring system. Utilizing variant allele frequency, disease prevalence and penetrance estimates, and inheritance mode, an automated score was calculated to assess if this variant is too frequent to cause the disease. Based on the score and internal cut-off values, a variant classified as benign is not then subjected to further curation. The score for this variant resulted in a classification of benign for this disease.

GeneDx
Classification: Likely benign. Last evaluated: 2017-10-31. Review status: criteria provided, single submitter. Criteria: GeneDx Variant Classification (06012015). Collection method: clinical testing. Allele origin: germline. Affected: yes.
Comment: This variant is considered likely benign or benign based on one or more of the following criteria: it is a conservative change, it occurs at a poorly conserved position in the protein, it is predicted to be benign by multiple in silico algorithms, and/or has population frequency not consistent with disease.

Ambry Genetics
Classification: Likely benign for Hereditary cancer-predisposing syndrome. Last evaluated: 2015-12-06. Review status: criteria provided, single submitter. Criteria: Ambry Variant Classification Scheme 2023. Collection method: clinical testing. Allele origin: germline.

NM_003072.5(SMARCA4):c.2973+14G>A

Gene: SMARCA4 (SWI/SNF related BAF chromatin remodeling complex subunit ATPase 4; plus strand). Cytogenetic location: 19p13.2.
Variant type: single nucleotide variant.
Coding change: c.2973+14G>A on transcript NM_003072.5 (MANE Select); 14 bases into the intron after coding-DNA position 2973, G replaced by A.
Molecular consequence: intron variant.
Genome position (GRCh38, 1-based): chr19:11,023,645, G>A. VCF-style: chr19-11023645-G-A. GRCh37 (hg19) VCF-style: chr19-11134321-G-A.
Other names: c.2973+14G>A (NM_001128844.3, NM_001128849.3, NM_001128847.4 and 5 more transcripts).
Identifiers: ClinVar variation 328032 (VCV000328032.18), dbSNP rs372877301, ClinGen allele CA9204268.